The following is an entry in ClinVar:

ClinVar aggregate classification (germline): Uncertain significance (1 of 4 stars; one submission).

Submission:

Labcorp Genetics (formerly Invitae), Labcorp
Classification: Uncertain significance. Last evaluated: 2025-06-11. Review status: criteria provided, single submitter. Criteria: Invitae Variant Classification Sherloc (09022015). Collection method: clinical testing. Allele origin: germline.
Comment: This sequence change replaces threonine, which is neutral and polar, with serine, which is neutral and polar, at codon 182 of the SRP72 protein (p.Thr182Ser). This variant is not present in population databases (gnomAD no frequency). This variant has not been reported in the literature in individuals affected with SRP72-related conditions. Invitae Evidence Modeling of protein sequence and biophysical properties (such as structural, functional, and spatial information, amino acid conservation, physicochemical variation, residue mobility, and thermodynamic stability) indicates that this missense variant is not expected to disrupt SRP72 protein function with a negative predictive value of 80%. In summary, the available evidence is currently insufficient to determine the role of this variant in disease. Therefore, it has been classified as a Variant of Uncertain Significance.

NM_006947.4(SRP72):c.545C>G (p.Thr182Ser)

Gene: SRP72 (signal recognition particle 72; plus strand). Cytogenetic location: 4q12.
Variant type: single nucleotide variant.
Coding change: c.545C>G on transcript NM_006947.4 (MANE Select); coding-DNA position 545, C replaced by G.
Protein change: p.Thr182Ser; replaces threonine 182 with serine.
Molecular consequence: missense variant. On other transcripts: non-coding transcript variant (1).
Genome position (GRCh38, 1-based): chr4:56,474,326, C>G. VCF-style: chr4-56474326-C-G. GRCh37 (hg19) VCF-style: chr4-57340492-C-G.
Other names: c.545C>G, p.Thr182Ser (NM_001267722.2); short protein forms T182S.
Identifiers: ClinVar variation 4744602 (VCV004744602.1).